The following is an entry in ClinVar:

ClinVar aggregate classification (germline): Uncertain significance (1 of 4 stars; one submission).

gnomAD v4.1: 2 of 1,613,628 alleles (0.00012%); highest among the groups gnomAD compares: Non-Finnish European, 0.000085%; no homozygotes.

Submission:

Women's Health and Genetics/Laboratory Corporation of America, LabCorp
Classification: Uncertain significance. Last evaluated: 2025-01-31. Review status: criteria provided, single submitter. Criteria: LabCorp Variant Classification Summary - May 2015. Collection method: clinical testing. Allele origin: germline.
Comment: Variant summary: SURF1 c.583G>C (p.Gly195Arg) results in a non-conservative amino acid change in the encoded protein sequence. Five of five in-silico tools predict a damaging effect of the variant on protein function. The variant was absent in 249776 control chromosomes (gnomAD). The available data on variant occurrences in the general population are insufficient to allow any conclusion about variant significance. c.583G>C has been reported in the literature in at least an individual affected with SURF1-related conditions (example: Lim_2014). These data do not allow any conclusion about variant significance. To our knowledge, no experimental evidence demonstrating an impact on protein function has been reported. The following publications have been ascertained in the context of this evaluation (PMID: 24462369, 29933018). No submitters have cited clinical-significance assessments for this variant to ClinVar. Based on the evidence outlined above, the variant was classified as uncertain significance.

Literature cited by the submitters: PubMed 24462369; PubMed 29933018.

NM_003172.4(SURF1):c.583G>C (p.Gly195Arg)

Gene: SURF1 (SURF1 cytochrome c oxidase assembly factor; minus strand). Cytogenetic location: 9q34.2.
Variant type: single nucleotide variant.
Coding change: c.583G>C on transcript NM_003172.4 (MANE Select); coding-DNA position 583, G replaced by C.
Protein change: p.Gly195Arg; replaces glycine 195 with arginine.
Molecular consequence: missense variant.
Genome position (GRCh38, 1-based): chr9:133,352,699, C>G on the plus strand (G>C on the coding strand, the complement: SURF1 is on the minus strand). VCF-style: chr9-133352699-C-G. GRCh37 (hg19) VCF-style: chr9-136219554-C-G.
Other names: c.256G>C, p.Gly86Arg (NM_001280787.1); short protein forms G195R, G86R.
Identifiers: ClinVar variation 3769384 (VCV003769384.2).